The following is an entry in ClinVar:

NM_000123.4(ERCC5):c.*84G>A

Genes: BIVM-ERCC5 (BIVM-ERCC5 readthrough; plus strand), ERCC5 (ERCC excision repair 5, endonuclease; plus strand). Cytogenetic location: 13q33.1.
Variant type: single nucleotide variant.
Coding change: c.*84G>A on transcript NM_000123.4 (MANE Select); 84 bases downstream of the stop codon, G replaced by A.
Molecular consequence: 3 prime UTR variant.
Genome position (GRCh38, 1-based): chr13:102,875,987, G>A. VCF-style: chr13-102875987-G-A. GRCh37 (hg19) VCF-style: chr13-103528337-G-A.
Other names: c.*84G>A (NM_001204425.2).
Identifiers: ClinVar variation 310945 (VCV000310945.9), dbSNP rs873601, ClinGen allele CA10633802.
Genomic context (GRCh38, chr13:102,875,987, plus strand): 5'-ATTAGTTATGACAGCCATTTGTAATGAATTTGTCGCAAAGACGTAATAAAATTAACTGGT[G>A]GCACGGTCTTTGTATTTAGTGTGTGGTTCCTAAAAACAAATGCTAAATCTGACATTTGTT-3'

ClinVar aggregate classification (germline): Benign. Review status: criteria provided, multiple submitters, no conflicts (2 of 4 stars). 3 submissions from 3 submitters: Benign (3). Last evaluated 2018-11-11.

Conditions:
Xeroderma pigmentosum, group G (XPG). Also called: XERODERMA PIGMENTOSUM VII; XP, GROUP G; Xeroderma pigmentosum type 7; ERCC5-Related Xeroderma Pigmentosum. Identifiers: MedGen C0268141, MONDO:0010216, OMIM 278780.

Allele frequency attached by ClinVar (database versions not stated): 1000 Genomes Project 30x 0.54154; gnomAD 0.59033 and 0.59566; gnomAD exomes 0.70534; 1000 Genomes Project 0.54952; TOPMed 0.57848.
gnomAD v4.1: 1,049,479 of 1,513,566 alleles (69%); highest among the groups gnomAD compares: South Asian, 74%; 371,337 homozygotes.

Submissions (3):

GeneDx
Classification: Benign. Last evaluated: 2018-11-11. Review status: criteria provided, single submitter. Criteria: GeneDx Variant Classification Process June 2021. Collection method: clinical testing. Allele origin: germline. Affected: yes.

Illumina Laboratory Services, Illumina
Classification: Benign for Xeroderma pigmentosum, group G. Last evaluated: 2018-01-12. Review status: criteria provided, single submitter. Criteria: ICSL Variant Classification Criteria 13 December 2019. Collection method: clinical testing. Allele origin: germline.
Comment: This variant was observed in the ICSL laboratory as part of a predisposition screen in an ostensibly healthy population. It had not been previously curated by ICSL or reported in the Human Gene Mutation Database (HGMD: prior to June 1st, 2018), and was therefore a candidate for classification through an automated scoring system. Utilizing variant allele frequency, disease prevalence and penetrance estimates, and inheritance mode, an automated score was calculated to assess if this variant is too frequent to cause the disease. Based on the score and internal cut-off values, a variant classified as benign is not then subjected to further curation. The score for this variant resulted in a classification of benign for this disease.

Breakthrough Genomics
Classification: Benign. Review status: criteria provided, single submitter. Criteria: ACMG Guidelines, 2015. Collection method: not provided. Allele origin: germline. Inheritance: Autosomal recessive inheritance. Affected: yes.